The following is an entry in ClinVar:

NM_198999.3(SLC26A5):c.2184T>G (p.Pro728=)

Gene: SLC26A5 (solute carrier family 26 member 5; minus strand). Cytogenetic location: 7q22.1.
Variant type: single nucleotide variant.
Coding change: c.2184T>G on transcript NM_198999.3 (MANE Select); coding-DNA position 2184, T replaced by G.
Protein change: p.Pro728=; no amino-acid change (proline 728 retained).
Molecular consequence: synonymous variant. On other transcripts: non-coding transcript variant (4), intron variant (4).
Genome position (GRCh38, 1-based): chr7:103,374,450, A>C on the plus strand (T>G on the coding strand, the complement: SLC26A5 is on the minus strand). VCF-style: chr7-103374450-A-C. GRCh37 (hg19) VCF-style: chr7-103014897-A-C.
Other names: c.972-21524T>G (NM_206885.3); c.1945+2358T>G (NM_001321787.2); c.1514+14558T>G (NM_206884.3); c.2041+2358T>G (NM_206883.3); c.2088T>G, p.Pro696= (NM_001167962.2).
Identifiers: ClinVar variation 1252870 (VCV001252870.31), dbSNP rs534530722, ClinGen allele CA4419256.
Genomic context (GRCh38, chr7:103,374,450, plus strand): 5'-GGTCCTCATCTATGCCTCAGGAGTGGCAGGAGTGGCATTGGGCTCCAAGTCCTCCTGGGA[A>C]GGGGGAGCCGAGGCTTCCTGTTCAGCAAGTGCCTCTCTAAGTTGGCTGCCTAAAACTGCA-3'
Protein context (NP_945350.1, residues 718-738): ALAEQEASAP[Pro728=]SQEDLEPNAT

ClinVar aggregate classification (germline): Benign/Likely benign. Review status: criteria provided, multiple submitters, no conflicts (2 of 4 stars). 4 submissions from 4 submitters: Benign (2); Likely benign (2). Last evaluated 2025-07-21.

Conditions:
SLC26A5-related disorder. Also called: SLC26A5-related condition.

Allele frequency attached by ClinVar (database versions not stated): gnomAD 0.00001 and 0.00023; TOPMed 0.00003; gnomAD exomes 0.00035 and 0.00072; ExAC 0.00078; 1000 Genomes Project 0.00100; 1000 Genomes Project 30x 0.00109.
gnomAD v4.1: 532 of 1,613,092 alleles (0.033%); highest among the groups gnomAD compares: South Asian, 0.56%; 11 homozygotes.

Submissions (4):

PreventionGenetics, part of Exact Sciences
Classification: Likely benign for SLC26A5-related condition. Last evaluated: 2025-07-21. Review status: criteria provided, single submitter. Criteria: ACMG Guidelines, 2015. Collection method: clinical testing. Allele origin: germline.
Comment: This variant is classified as likely benign based on ACMG/AMP sequence variant interpretation guidelines (Richards et al. 2015 PMID: 25741868, with internal and published modifications).

Labcorp Genetics (formerly Invitae), Labcorp
Classification: Benign. Last evaluated: 2024-04-25. Review status: criteria provided, single submitter. Criteria: Invitae Variant Classification Sherloc (09022015). Collection method: clinical testing. Allele origin: germline.

CeGaT Center for Human Genetics Tuebingen
Classification: Likely benign. Last evaluated: 2022-12-01. Review status: criteria provided, single submitter. Criteria: CeGaT Center For Human Genetics Tuebingen Variant Classification Criteria Version 2. Collection method: clinical testing. Allele origin: germline. Affected: yes. Observed: 1 variant allele.
Comment: SLC26A5: BP4, BP7, BS2

GeneDx
Classification: Benign. Last evaluated: 2020-07-28. Review status: criteria provided, single submitter. Criteria: GeneDx Variant Classification Process June 2021. Collection method: clinical testing. Allele origin: germline. Affected: yes.